The following is an entry in ClinVar:

ClinVar aggregate classification (germline): Uncertain significance (1 of 4 stars; one submission).

Allele frequency attached by ClinVar (database versions not stated): ESP Exome Variant Server 0.00008; ExAC 0.00006.

Submission:

GeneDx
Classification: Uncertain significance. Last evaluated: 2020-05-18. Review status: criteria provided, single submitter. Criteria: GeneDx Variant Classification Process June 2021. Collection method: clinical testing. Allele origin: germline. Affected: yes.
Comment: Not observed at a significant frequency in large population cohorts (Lek et al., 2016); In silico analysis, which includes protein predictors and evolutionary conservation, supports a deleterious effect; Has not been previously published as pathogenic or benign to our knowledge

NM_025265.4(TSEN2):c.496G>T (p.Gly166Trp)

Gene: TSEN2 (tRNA splicing endonuclease subunit 2; plus strand). Cytogenetic location: 3p25.2.
Variant type: single nucleotide variant.
Coding change: c.496G>T on transcript NM_025265.4 (MANE Select); coding-DNA position 496, G replaced by T.
Protein change: p.Gly166Trp; replaces glycine 166 with tryptophan.
Molecular consequence: missense variant. On other transcripts: non-coding transcript variant (1).
Genome position (GRCh38, 1-based): chr3:12,503,449, G>T. VCF-style: chr3-12503449-G-T. GRCh37 (hg19) VCF-style: chr3-12544948-G-T.
Other names: c.496G>T, p.Gly166Trp (NM_001145392.2, NM_001145393.3, NM_001145394.2 and 3 more transcripts); short protein forms G166W.
Identifiers: ClinVar variation 1188473 (VCV001188473.2), dbSNP rs373438118, ClinGen allele CA2258527.